The following is an entry in ClinVar:

NM_001001957.2(OR2W3):c.174dup (p.Met59fs)

Gene: OR2W3 (olfactory receptor family 2 subfamily W member 3; plus strand). Cytogenetic location: 1q44.
Variant type: Duplication.
Coding change: c.174dup on transcript NM_001001957.2 (MANE Select); coding-DNA position 174, one base duplicated (C; older notation c.174dupC).
Protein change: p.Met59fs; shifts the reading frame from methionine 59.
Molecular consequence: frameshift variant.
Genome position (GRCh38, 1-based): chr1:247,895,760, C duplicated; the last of 5 consecutive C bases (chr1:247,895,756-247,895,760); duplicating any one gives the same sequence. VCF-style (leftmost placement, unchanged base first): chr1-247895755-A-AC. GRCh37 (hg19) VCF-style: chr1-248059057-A-AC.
Other names: short protein forms M59fs.
Identifiers: ClinVar variation 4703841 (VCV004703841.1).
Genomic context (GRCh38, chr1:247,895,755, plus strand): 5'-CTGACCCTCGTAGGCAACACCACCATCATCCTGGTGTCCCGGCTGGACCCCCACCTCCAC[A>AC]CCCCCATGTACTTCTTCCTCGCCCACCTTTCCTTCCTGGACCTCAGTTTCACCACCAGCT-3'

ClinVar aggregate classification (germline): Uncertain significance (1 of 4 stars; one submission).

Submission:

Labcorp Genetics (formerly Invitae), Labcorp
Classification: Uncertain significance. Last evaluated: 2025-11-25. Review status: criteria provided, single submitter. Criteria: Invitae Variant Classification Sherloc (09022015). Collection method: clinical testing. Allele origin: germline.
Comment: This sequence change creates a premature translational stop signal (p.Met59Hisfs*28) in the OR2W3 gene. While this is not anticipated to result in nonsense mediated decay, it is expected to disrupt the last 256 amino acid(s) of the OR2W3 protein. This variant is present in population databases (rs768496072, gnomAD 0.02%). This variant has not been reported in the literature in individuals affected with OR2W3-related conditions. Experimental studies and prediction algorithms are not available or were not evaluated, and the functional significance of this variant is currently unknown. In summary, the available evidence is currently insufficient to determine the role of this variant in disease. Therefore, it has been classified as a Variant of Uncertain Significance.